The following is an entry in ClinVar:

NM_001330691.3(CEP78):c.1458G>A (p.Glu486=)

Gene: CEP78 (centrosomal protein 78; plus strand). Cytogenetic location: 9q21.2.
Variant type: single nucleotide variant.
Coding change: c.1458G>A on transcript NM_001330691.3 (MANE Select); coding-DNA position 1458, G replaced by A.
Protein change: p.Glu486=; no amino-acid change (glutamic acid 486 retained).
Molecular consequence: synonymous variant.
Genome position (GRCh38, 1-based): chr9:78,262,984, G>A. VCF-style: chr9-78262984-G-A. GRCh37 (hg19) VCF-style: chr9-80877900-G-A.
Other names: c.1461G>A, p.Glu487= (NM_001098802.3, NM_001349839.2, NM_001349840.2 and 1 more transcripts); c.1458G>A, p.Glu486= (NM_001330693.3, NM_001330694.2, NM_001349838.2).
Identifiers: ClinVar variation 1426355 (VCV001426355.6), dbSNP rs1393652577, ClinGen allele CA465541908.

ClinVar aggregate classification (germline): Uncertain significance (1 of 4 stars; one submission).

Allele frequency attached by ClinVar (database versions not stated): gnomAD exomes below 0.00001 and 0.00001.
gnomAD v4.1: 1 of 1,533,108 alleles (0.000065%); highest among the groups gnomAD compares: South Asian, 0.0012%; no homozygotes.

Submission:

Labcorp Genetics (formerly Invitae), Labcorp
Classification: Uncertain significance. Last evaluated: 2022-05-07. Review status: criteria provided, single submitter. Criteria: Invitae Variant Classification Sherloc (09022015). Collection method: clinical testing. Allele origin: germline.
Comment: This sequence change affects codon 487 of the CEP78 mRNA. It is a 'silent' change, meaning that it does not change the encoded amino acid sequence of the CEP78 protein. This variant also falls at the last nucleotide of exon 12, which is part of the consensus splice site for this exon. The frequency data for this variant in the population databases is considered unreliable, as metrics indicate poor data quality at this position in the gnomAD database. This variant has not been reported in the literature in individuals affected with CEP78-related conditions. Variants that disrupt the consensus splice site are a relatively common cause of aberrant splicing (PMID: 17576681, 9536098). Algorithms developed to predict the effect of sequence changes on RNA splicing suggest that this variant may disrupt the consensus splice site. In summary, the available evidence is currently insufficient to determine the role of this variant in disease. Therefore, it has been classified as a Variant of Uncertain Significance.

Literature cited by the submitters: PubMed 17576681; PubMed 9536098.